The following is an entry in ClinVar:

ClinVar aggregate classification (germline): Uncertain significance (1 of 4 stars; one submission).

Conditions:
Familial thoracic aortic aneurysm and aortic dissection (TAAD). Also called: Thoracic aortic aneurysms and dissections. Identifiers: Orphanet 91387, MedGen C4707243, MONDO:0019625.

Submission:

Ambry Genetics
Classification: Uncertain significance for Familial thoracic aortic aneurysm and aortic dissection. Last evaluated: 2026-08-16. Review status: criteria provided, single submitter. Criteria: Ambry Variant Classification Scheme 2023. Collection method: clinical testing. Allele origin: germline.
Comment: The p.E933D variant (also known as c.2799G>T), located in coding exon 21 of the FBN2 gene, results from a G to T substitution at nucleotide position 2799. The glutamic acid at codon 933 is replaced by aspartic acid, an amino acid with highly similar properties. This amino acid position is conserved. In addition, the in silico prediction for this alteration is inconclusive. Based on the available evidence, the clinical significance of this variant remains unclear.

NM_001999.4(FBN2):c.2799G>T (p.Glu933Asp)

Gene: FBN2 (fibrillin 2; minus strand). Cytogenetic location: 5q23.3.
Variant type: single nucleotide variant.
Coding change: c.2799G>T on transcript NM_001999.4 (MANE Select); coding-DNA position 2799, G replaced by T.
Protein change: p.Glu933Asp; replaces glutamic acid 933 with aspartic acid.
Molecular consequence: missense variant.
Genome position (GRCh38, 1-based): chr5:128,350,881, C>A on the plus strand (G>T on the coding strand, the complement: FBN2 is on the minus strand). VCF-style: chr5-128350881-C-A. GRCh37 (hg19) VCF-style: chr5-127686573-C-A.
Other names: short protein forms E933D.
Identifiers: ClinVar variation 5021636 (VCV005021636.1).